The following is an entry in ClinVar:

NM_001004334.4(GPR179):c.1960C>G (p.Gln654Glu)

Gene: GPR179 (G protein-coupled receptor 179; minus strand). Cytogenetic location: 17q12.
Variant type: single nucleotide variant.
Coding change: c.1960C>G on transcript NM_001004334.4 (MANE Select); coding-DNA position 1960, C replaced by G.
Protein change: p.Gln654Glu; replaces glutamine 654 with glutamic acid.
Molecular consequence: missense variant.
Genome position (GRCh38, 1-based): chr17:38,333,328, G>C on the plus strand (C>G on the coding strand, the complement: GPR179 is on the minus strand). VCF-style: chr17-38333328-G-C. GRCh37 (hg19) VCF-style: chr17-36489211-G-C.
Other names: c.1960C>G (NM_001004334.2); short protein forms Q654E.
Identifiers: ClinVar variation 1923964 (VCV001923964.4), dbSNP rs1426519138, ClinGen allele CA398885332.
Genomic context (GRCh38, chr17:38,333,328, plus strand): 5'-CCAGGCTGTGCTCACTCCAGGCTGAGGCGATGCTGCTGCCAAGGTAGGAGCCTGAGTGCT[G>C]CAGGTCCAGCTCGTCCTCACACACCTCATCCACCATCTCCTCCCGGGGAGGAGCCCCCAG-3'
Protein context (NP_001004334.3, residues 644-664): DEVCEDELDL[Gln654Glu]HSGSYLGSSI

ClinVar aggregate classification (germline): Uncertain significance. Review status: criteria provided, multiple submitters, no conflicts (2 of 4 stars). 2 submissions from 2 submitters: Uncertain significance (2). Last evaluated 2023-12-16.

Conditions:
Inborn genetic diseases. Identifiers: MedGen C0950123, MeSH D030342.

Allele frequency attached by ClinVar (database versions not stated): gnomAD 0.00001; gnomAD exomes 0.00001; TOPMed 0.00001.
gnomAD v4.1: 9 of 1,613,932 alleles (0.00056%); highest among the groups gnomAD compares: Non-Finnish European, 0.00068%; no homozygotes.

Submissions (2):

Ambry Genetics
Classification: Uncertain significance for Inborn genetic diseases. Last evaluated: 2023-12-16. Review status: criteria provided, single submitter. Criteria: Ambry Variant Classification Scheme 2023. Collection method: clinical testing. Allele origin: germline.

Labcorp Genetics (formerly Invitae), Labcorp
Classification: Uncertain significance. Last evaluated: 2022-11-01. Review status: criteria provided, single submitter. Criteria: Invitae Variant Classification Sherloc (09022015). Collection method: clinical testing. Allele origin: germline.
Comment: In summary, the available evidence is currently insufficient to determine the role of this variant in disease. Therefore, it has been classified as a Variant of Uncertain Significance. Algorithms developed to predict the effect of missense changes on protein structure and function (SIFT, PolyPhen-2, Align-GVGD) all suggest that this variant is likely to be tolerated. This variant has not been reported in the literature in individuals affected with GPR179-related conditions. This variant is present in population databases (no rsID available, gnomAD 0.0008%). This sequence change replaces glutamine, which is neutral and polar, with glutamic acid, which is acidic and polar, at codon 654 of the GPR179 protein (p.Gln654Glu).